The following is an entry in ClinVar:

NM_004447.6(EPS8):c.724G>A (p.Asp242Asn)

Gene: EPS8 (EGFR pathway substrate 8, signaling adaptor; minus strand). Cytogenetic location: 12p12.3.
Variant type: single nucleotide variant.
Coding change: c.724G>A on transcript NM_004447.6 (MANE Select); coding-DNA position 724, G replaced by A.
Protein change: p.Asp242Asn; replaces aspartic acid 242 with asparagine.
Molecular consequence: missense variant.
Genome position (GRCh38, 1-based): chr12:15,665,768, C>T on the plus strand (G>A on the coding strand, the complement: EPS8 is on the minus strand). VCF-style: chr12-15665768-C-T. GRCh37 (hg19) VCF-style: chr12-15818702-C-T.
Other names: short protein forms D242N.
Identifiers: ClinVar variation 1214158 (VCV001214158.11), dbSNP rs368744283, ClinGen allele CA6467784.

ClinVar aggregate classification (germline): Uncertain significance. Review status: criteria provided, multiple submitters, no conflicts (2 of 4 stars). 4 submissions from 4 submitters: Uncertain significance (4). Last evaluated 2023-12-12.

Conditions:
Inborn genetic diseases. Identifiers: MedGen C0950123, MeSH D030342.

Allele frequency attached by ClinVar (database versions not stated): ESP Exome Variant Server 0.00008; ExAC 0.00009; gnomAD exomes 0.00009; TOPMed 0.00018.
gnomAD v4.1: 94 of 1,613,436 alleles (0.0058%); highest among the groups gnomAD compares: Admixed American, 0.067%; no homozygotes.

Submissions (4):

Ambry Genetics
Classification: Uncertain significance for Inborn genetic diseases. Last evaluated: 2023-12-12. Review status: criteria provided, single submitter. Criteria: Ambry Variant Classification Scheme 2023. Collection method: clinical testing. Allele origin: germline.

Labcorp Genetics (formerly Invitae), Labcorp
Classification: Uncertain significance. Last evaluated: 2023-07-17. Review status: criteria provided, single submitter. Criteria: Invitae Variant Classification Sherloc (09022015). Collection method: clinical testing. Allele origin: germline.
Comment: Advanced modeling of protein sequence and biophysical properties (such as structural, functional, and spatial information, amino acid conservation, physicochemical variation, residue mobility, and thermodynamic stability) performed at Invitae indicates that this missense variant is not expected to disrupt EPS8 protein function. This sequence change replaces aspartic acid, which is acidic and polar, with asparagine, which is neutral and polar, at codon 242 of the EPS8 protein (p.Asp242Asn). This variant is present in population databases (rs368744283, gnomAD 0.04%). This variant has not been reported in the literature in individuals affected with EPS8-related conditions. ClinVar contains an entry for this variant (Variation ID: 1214158). In summary, the available evidence is currently insufficient to determine the role of this variant in disease. Therefore, it has been classified as a Variant of Uncertain Significance.

GeneDx
Classification: Uncertain significance. Last evaluated: 2022-08-15. Review status: criteria provided, single submitter. Criteria: GeneDx Variant Classification Process June 2021. Collection method: clinical testing. Allele origin: germline. Affected: yes.
Comment: In silico analysis supports that this missense variant does not alter protein structure/function; Has not been previously published as pathogenic or benign to our knowledge

Blueprint Genetics
Classification: Uncertain significance. Last evaluated: 2022-05-18. Review status: criteria provided, single submitter. Criteria: ACMG Guidelines, 2015. Collection method: clinical testing. Allele origin: germline.